The following is an entry in ClinVar:

NM_030962.4(SBF2):c.1812C>T (p.Asp604=)

Gene: SBF2 (SET binding factor 2; minus strand). Cytogenetic location: 11p15.4.
Variant type: single nucleotide variant.
Coding change: c.1812C>T on transcript NM_030962.4 (MANE Select); coding-DNA position 1812, C replaced by T.
Protein change: p.Asp604=; no amino-acid change (aspartic acid 604 retained).
Molecular consequence: synonymous variant.
Genome position (GRCh38, 1-based): chr11:9,962,005, G>A on the plus strand (C>T on the coding strand, the complement: SBF2 is on the minus strand). VCF-style: chr11-9962005-G-A. GRCh37 (hg19) VCF-style: chr11-9983552-G-A.
Other names: c.1812C>T, p.Asp604= (NM_001386339.1); c.1683C>T, p.Asp561= (NM_001386342.1).
Identifiers: ClinVar variation 516031 (VCV000516031.25), dbSNP rs765658939, ClinGen allele CA5881742.

ClinVar aggregate classification (germline): Conflicting classifications of pathogenicity. Review status: criteria provided, conflicting classifications (1 of 4 stars). 8 submissions from 8 submitters: Uncertain significance (1); Likely benign (6). 1 of the submissions does not count toward it. Last evaluated 2026-02-03.

Conditions:
SBF2-related disorder. Also called: SBF2-related condition.
Charcot-Marie-Tooth disease type 4. Also called: Charcot-Marie-Tooth disease, type IV; Charcot-Marie-Tooth, Type 4. Identifiers: Orphanet 64749, MedGen C4082197, MONDO:0018995.
Charcot-Marie-Tooth disease type 4B2. Also called: Charcot-Marie-Tooth Neuropathy Type 4B2; CHARCOT-MARIE-TOOTH DISEASE, WITH FOCALLY FOLDED MYELIN SHEATHS, AUTOSOMAL RECESSIVE, TYPE 4B2; CMT 4B2; CHARCOT-MARIE-TOOTH DISEASE, DEMYELINATING, TYPE 4B2. Identifiers: Orphanet 99956, MedGen C1858278, MONDO:0011475, OMIM 604563.
Charcot-Marie-Tooth disease. Also called: Charcot-Marie-Tooth Neuropathy; Charcot-Marie-Tooth Hereditary Neuropathy. Identifiers: Orphanet 166, MedGen C0007959, MONDO:0015626.
Inborn genetic diseases. Identifiers: MedGen C0950123, MeSH D030342.

Allele frequency attached by ClinVar (database versions not stated): gnomAD exomes 0.00008; gnomAD 0.00013 and 0.00015; TOPMed 0.00017.
gnomAD v4.1: 200 of 1,613,874 alleles (0.012%); highest among the groups gnomAD compares: Non-Finnish European, 0.015%; no homozygotes.

Submissions (8):

Labcorp Genetics (formerly Invitae), Labcorp
Classification: Likely benign for Charcot-Marie-Tooth disease type 4. Last evaluated: 2026-02-03. Review status: criteria provided, single submitter. Criteria: Invitae Variant Classification Sherloc (09022015). Collection method: clinical testing. Allele origin: germline.

Blueprint Genetics
Classification: Likely benign. Last evaluated: 2024-03-11. Review status: criteria provided, single submitter. Criteria: ACMG Guidelines, 2015. Collection method: clinical testing. Allele origin: germline.

Athena Diagnostics
Classification: Likely benign. Last evaluated: 2024-02-19. Review status: criteria provided, single submitter. Criteria: Athena Diagnostics Criteria. Collection method: clinical testing. Allele origin: unknown.

GeneDx
Classification: Likely benign. Last evaluated: 2021-09-17. Review status: criteria provided, single submitter. Criteria: GeneDx Variant Classification Process June 2021. Collection method: clinical testing. Allele origin: germline. Affected: yes.

Ambry Genetics
Classification: Likely benign for Inborn genetic diseases. Last evaluated: 2019-07-11. Review status: criteria provided, single submitter. Criteria: Ambry Variant Classification Scheme 2023. Collection method: clinical testing. Allele origin: germline.

Illumina Laboratory Services, Illumina
Classification: Uncertain significance for Charcot-Marie-Tooth disease type 4B2. Last evaluated: 2018-02-16. Review status: criteria provided, single submitter. Criteria: ICSL Variant Classification Criteria 13 December 2019. Collection method: clinical testing. Allele origin: germline.

Molecular Genetics Laboratory, London Health Sciences Centre
Classification: Likely benign for Charcot-Marie-Tooth disease. Review status: criteria provided, single submitter. Criteria: ACMG Guidelines, 2015. Collection method: clinical testing. Allele origin: germline. Affected: yes.

PreventionGenetics, part of Exact Sciences
Classification: Likely benign for SBF2-related condition. Last evaluated: 2021-09-14. Review status: no assertion criteria provided. Collection method: clinical testing. Allele origin: germline. Not counted in ClinVar's aggregate classification.
Comment: This variant is classified as likely benign based on ACMG/AMP sequence variant interpretation guidelines (Richards et al. 2015 PMID: 25741868, with internal and published modifications).